The following is an entry in ClinVar:

ClinVar aggregate classification (germline): Likely pathogenic (1 of 4 stars; one submission).

Conditions:
Congenital myasthenic syndrome 11. Also called: MYASTHENIC SYNDROME, CONGENITAL, Ie; Myasthenic syndrome, congenital, 11, associated with acetylcholine receptor deficiency. Identifiers: Orphanet 590, MedGen C4225367, MONDO:0014588, OMIM 616326.
Fetal akinesia deformation sequence 1 (FADS1). Also called: Fetal akinesia sequence; Pena-Shokeir syndrome type I. Identifiers: Orphanet 994, MedGen C1276035, MONDO:0100101, OMIM 208150, HP:0001989.

gnomAD v4.1: 2 of 1,613,966 alleles (0.00012%); highest among the groups gnomAD compares: Non-Finnish European, 0.00017%; no homozygotes.

Submission:

Labcorp Genetics (formerly Invitae), Labcorp
Classification: Likely pathogenic for Congenital myasthenic syndrome 11; Fetal akinesia deformation sequence 1. Last evaluated: 2021-04-04. Review status: criteria provided, single submitter. Criteria: Invitae Variant Classification Sherloc (09022015). Collection method: clinical testing. Allele origin: germline.
Comment: In summary, the currently available evidence indicates that the variant is pathogenic, but additional data are needed to prove that conclusively. Therefore, this variant has been classified as Likely Pathogenic. This variant disrupts the p.Arg91 amino acid residue in RAPSN. Other variant(s) that disrupt this residue have been determined to be pathogenic (PMID: 14504330, 16945936, 31680123, Invitae). This suggests that this residue is clinically significant, and that variants that disrupt this residue are likely to be disease-causing. Advanced modeling of protein sequence and biophysical properties (such as structural, functional, and spatial information, amino acid conservation, physicochemical variation, residue mobility, and thermodynamic stability) performed at Invitae indicates that this missense variant is expected to disrupt RAPSN protein function. This variant has not been reported in the literature in individuals with RAPSN-related conditions. This variant is not present in population databases (ExAC no frequency). This sequence change replaces arginine with proline at codon 91 of the RAPSN protein (p.Arg91Pro). The arginine residue is highly conserved and there is a moderate physicochemical difference between arginine and proline.

Literature cited by the submitters: PubMed 14504330; PubMed 16945936; PubMed 31680123.

NM_005055.5(RAPSN):c.272G>C (p.Arg91Pro)

Gene: RAPSN (receptor associated protein of the synapse; minus strand). Cytogenetic location: 11p11.2.
Variant type: single nucleotide variant.
Coding change: c.272G>C on transcript NM_005055.5 (MANE Select); coding-DNA position 272, G replaced by C.
Protein change: p.Arg91Pro; replaces arginine 91 with proline.
Molecular consequence: missense variant.
Genome position (GRCh38, 1-based): chr11:47,448,071, C>G on the plus strand (G>C on the coding strand, the complement: RAPSN is on the minus strand). VCF-style: chr11-47448071-C-G. GRCh37 (hg19) VCF-style: chr11-47469623-C-G.
Other names: c.272G>C, p.Arg91Pro (NM_032645.5); short protein forms R91P.
Identifiers: ClinVar variation 1522171 (VCV001522171.8), dbSNP rs375218091, ClinGen allele CA380334774.